The following is an entry in ClinVar:

ClinVar aggregate classification (germline): Uncertain significance (1 of 4 stars; one submission).

Conditions:
Hereditary cancer-predisposing syndrome. Also called: Neoplastic Syndromes, Hereditary; Tumor predisposition; Hereditary neoplastic syndrome; Hereditary Cancer Syndrome. Identifiers: Orphanet 140162, MedGen C0027672, MeSH D009386, MONDO:0015356.

Submission:

Ambry Genetics
Classification: Uncertain significance for Hereditary cancer-predisposing syndrome. Last evaluated: 2026-07-06. Review status: criteria provided, single submitter. Criteria: Ambry Variant Classification Scheme 2023. Collection method: clinical testing. Allele origin: germline.
Comment: The p.M150I variant (also known as c.450G>T), located in coding exon 4 of the PTCH1 gene, results from a G to T substitution at nucleotide position 450. The methionine at codon 150 is replaced by isoleucine, an amino acid with highly similar properties. This amino acid position is conserved. In addition, the in silico prediction for this alteration is inconclusive. Based on the available evidence, the clinical significance of this variant remains unclear.

NM_000264.5(PTCH1):c.648G>T (p.Met216Ile)

Gene: PTCH1 (patched 1; minus strand). Cytogenetic location: 9q22.32.
Variant type: single nucleotide variant.
Coding change: c.648G>T on transcript NM_000264.5 (MANE Select); coding-DNA position 648, G replaced by T.
Protein change: p.Met216Ile; replaces methionine 216 with isoleucine.
Molecular consequence: missense variant. On other transcripts: non-coding transcript variant (1).
Genome position (GRCh38, 1-based): chr9:95,482,140, C>A on the plus strand (G>T on the coding strand, the complement: PTCH1 is on the minus strand). VCF-style: chr9-95482140-C-A. GRCh37 (hg19) VCF-style: chr9-98244422-C-A.
Other names: c.450G>T, p.Met150Ile (NM_001083602.3, NM_001354919.2); c.645G>T, p.Met215Ile (NM_001083603.3); c.195G>T, p.Met65Ile (NM_001083604.3, NM_001083605.3, NM_001083606.3 and 1 more transcripts); c.648G>T, p.Met216Ile (NM_001354918.2); short protein forms M150I, M215I, M65I, M216I.
Identifiers: ClinVar variation 5027471 (VCV005027471.1).